The following is an entry in ClinVar:

NM_000382.3(ALDH3A2):c.-149C>G

Gene: ALDH3A2 (aldehyde dehydrogenase 3 family member A2; plus strand). Cytogenetic location: 17p11.2.
Variant type: single nucleotide variant.
Coding change: c.-149C>G on transcript NM_000382.3 (MANE Select); 149 bases upstream of the start codon, C replaced by G.
Molecular consequence: 5 prime UTR variant. On other transcripts: intron variant (4).
Genome position (GRCh38, 1-based): chr17:19,648,823, C>G. VCF-style: chr17-19648823-C-G. GRCh37 (hg19) VCF-style: chr17-19552136-C-G.
Other names: c.-149C>G (NM_001031806.2); c.-58C>G (NM_001369136.1, NM_001369139.1); c.-725-112C>G (NM_001369148.2); c.-37-112C>G (NM_001369137.2, NM_001369138.2, NM_001369146.2).
Identifiers: ClinVar variation 322204 (VCV000322204.5), dbSNP rs557068998, ClinGen allele CA10639139.

ClinVar aggregate classification (germline): Likely benign (1 of 4 stars; one submission).

Conditions:
Sjögren-Larsson syndrome (SLS). Also called: FALDH DEFICIENCY; FATTY ALCOHOL:NAD+ OXIDOREDUCTASE DEFICIENCY; FATTY ALDEHYDE DEHYDROGENASE DEFICIENCY; ICHTHYOSIS, SPASTIC NEUROLOGIC DISORDER, AND OLIGOPHRENIA. Identifiers: Orphanet 816, MedGen C0037231, MONDO:0010031, OMIM 270200.

Allele frequency attached by ClinVar (database versions not stated): 1000 Genomes Project 30x 0.00062; 1000 Genomes Project 0.00080; TOPMed 0.00357; gnomAD 0.00406; gnomAD exomes 0.00526.
gnomAD v4.1: 5,678 of 1,126,314 alleles (0.5%); highest among the groups gnomAD compares: Non-Finnish European, 0.65%; 16 homozygotes.

Submission:

Illumina Laboratory Services, Illumina
Classification: Likely benign for Sjögren-Larsson syndrome. Last evaluated: 2018-01-12. Review status: criteria provided, single submitter. Criteria: ICSL Variant Classification Criteria 13 December 2019. Collection method: clinical testing. Allele origin: germline.
Comment: This variant was observed in the ICSL laboratory as part of a predisposition screen in an ostensibly healthy population. It had not been previously curated by ICSL or reported in the Human Gene Mutation Database (HGMD: prior to June 1st, 2018), and was therefore a candidate for classification through an automated scoring system. Utilizing variant allele frequency, disease prevalence and penetrance estimates, and inheritance mode, an automated score was calculated to assess if this variant is too frequent to cause the disease. Based on the score and internal cut-off values, a variant classified as likely benign is not then subjected to further curation. The score for this variant resulted in a classification of likely benign for this disease.